The following is an entry in ClinVar:

NM_017514.5(PLXNA3):c.653T>C (p.Leu218Ser)

Gene: PLXNA3 (plexin A3; plus strand). Cytogenetic location: Xq28.
Variant type: single nucleotide variant.
Coding change: c.653T>C on transcript NM_017514.5 (MANE Select); coding-DNA position 653, T replaced by C.
Protein change: p.Leu218Ser; replaces leucine 218 with serine.
Molecular consequence: missense variant.
Genome position (GRCh38, 1-based): chrX:154,461,157, T>C. VCF-style: chrX-154461157-T-C. GRCh37 (hg19) VCF-style: chrX-153689497-T-C.
Other names: short protein forms L218S.
Identifiers: ClinVar variation 2579110 (VCV002579110.25), dbSNP rs2068948040, ClinGen allele CA415230733.

ClinVar aggregate classification (germline): Uncertain significance (1 of 4 stars; one submission).

Allele frequency attached by ClinVar (database versions not stated): gnomAD exomes below 0.00001; TOPMed 0.00001.
gnomAD v4.1: 4 of 1,211,226 alleles (0.00033%); highest among the groups gnomAD compares: Non-Finnish European, 0.00045%; no homozygotes.

Submission:

CeGaT Center for Human Genetics Tuebingen
Classification: Uncertain significance. Last evaluated: 2023-08-01. Review status: criteria provided, single submitter. Criteria: CeGaT Center For Human Genetics Tuebingen Variant Classification Criteria Version 2. Collection method: clinical testing. Allele origin: germline. Affected: yes. Observed: 1 variant allele.
Comment: PLXNA3: PM2, PS4:Supporting